The following is an entry in ClinVar:

ClinVar aggregate classification (germline): Likely pathogenic (1 of 4 stars; one submission).

Submission:

Labcorp Genetics (formerly Invitae), Labcorp
Classification: Likely pathogenic. Last evaluated: 2023-04-24. Review status: criteria provided, single submitter. Criteria: Invitae Variant Classification Sherloc (09022015). Collection method: clinical testing. Allele origin: germline.
Comment: In summary, the currently available evidence indicates that the variant is pathogenic, but additional data are needed to prove that conclusively. Therefore, this variant has been classified as Likely Pathogenic. Algorithms developed to predict the effect of sequence changes on RNA splicing suggest that this variant may disrupt the consensus splice site. This variant is present in population databases (no rsID available, gnomAD 0.0009%). ClinVar contains an entry for this variant (Variation ID: 1481836). This variant has not been reported in the literature in individuals affected with SI-related conditions. This variant results in the deletion of part of exon 41 (c.4840_4841+2del) of the SI gene. It is expected to disrupt RNA splicing. Variants that disrupt the donor or acceptor splice site typically lead to a loss of protein function (PMID: 16199547), and loss-of-function variants in SI are known to be pathogenic (PMID: 16329100, 23103650, 25452324).

Literature cited by the submitters: PubMed 16199547; PubMed 16329100; PubMed 23103650; PubMed 25452324.

NM_001041.4(SI):c.4840_4841+2del

Gene: SI (sucrase-isomaltase; minus strand). Cytogenetic location: 3q26.1.
Variant type: Deletion.
Coding change: c.4840_4841+2del on transcript NM_001041.4 (MANE Select); coding-DNA position 4840 through the canonical splice donor site of the intron after coding-DNA position 4841, 4 bases deleted (GAGT; older notation c.4840_4841+2delGAGT).
Molecular consequence: splice donor variant.
Genome position (GRCh38, 1-based): chr3:164,994,255-164,994,258, ACTC deleted on the plus strand (GAGT on the coding strand, the reverse complement: SI is on the minus strand); deleting any 4 consecutive bases within chr3:164,994,255-164,994,259 gives the same sequence; the c. name uses the placement nearest the transcript's 3' end. VCF-style (leftmost placement, unchanged base first): chr3-164994254-TACTC-T. GRCh37 (hg19) VCF-style: chr3-164712042-TACTC-T.
Identifiers: ClinVar variation 1481836 (VCV001481836.6), dbSNP rs1240035419, ClinGen allele CA547560483.